The following is an entry in ClinVar:

ClinVar aggregate classification (germline): Uncertain significance (1 of 4 stars; one submission).

Conditions:
Familial cold autoinflammatory syndrome 4 (FCAS4). Identifiers: Orphanet 47045, Orphanet 576349, MedGen C4015276, MONDO:0014498, OMIM 616115.
Periodic fever-infantile enterocolitis-autoinflammatory syndrome. Also called: Autoinflammation with infantile enterocolitis. Identifiers: Orphanet 436166, MedGen C4015067, MONDO:0014472, OMIM 616050.

Submission:

Labcorp Genetics (formerly Invitae), Labcorp
Classification: Uncertain significance for Periodic fever-infantile enterocolitis-autoinflammatory syndrome; Familial cold autoinflammatory syndrome 4. Last evaluated: 2021-03-29. Review status: criteria provided, single submitter. Criteria: Invitae Variant Classification Sherloc (09022015). Collection method: clinical testing. Allele origin: germline.
Comment: In summary, the available evidence is currently insufficient to determine the role of this variant in disease. Therefore, it has been classified as a Variant of Uncertain Significance. Algorithms developed to predict the effect of missense changes on protein structure and function (SIFT, PolyPhen-2, Align-GVGD) all suggest that this variant is likely to be tolerated, but these predictions have not been confirmed by published functional studies and their clinical significance is uncertain. This variant has not been reported in the literature in individuals with NLRC4-related conditions. This variant is not present in population databases (ExAC no frequency). This sequence change replaces glutamine with arginine at codon 941 of the NLRC4 protein (p.Gln941Arg). The glutamine residue is highly conserved and there is a small physicochemical difference between glutamine and arginine.

NM_001199138.2(NLRC4):c.2822A>G (p.Gln941Arg)

Gene: NLRC4 (NLR family CARD domain containing 4; minus strand). Cytogenetic location: 2p22.3.
Variant type: single nucleotide variant.
Coding change: c.2822A>G on transcript NM_001199138.2 (MANE Select); coding-DNA position 2822, A replaced by G.
Protein change: p.Gln941Arg; replaces glutamine 941 with arginine.
Molecular consequence: missense variant.
Genome position (GRCh38, 1-based): chr2:32,224,726, T>C on the plus strand (A>G on the coding strand, the complement: NLRC4 is on the minus strand). VCF-style: chr2-32224726-T-C. GRCh37 (hg19) VCF-style: chr2-32449795-T-C.
Other names: c.2822A>G, p.Gln941Arg (NM_001199139.2, NM_021209.5); c.827A>G, p.Gln276Arg (NM_001302504.2); short protein forms Q941R, Q276R.
Identifiers: ClinVar variation 1470505 (VCV001470505.8), dbSNP rs2148927586, ClinGen allele CA346519542.